The following is an entry in ClinVar:

NM_015338.6(ASXL1):c.2807C>T (p.Thr936Ile)

Gene: ASXL1 (ASXL transcriptional regulator 1; plus strand). Cytogenetic location: 20q11.21.
Variant type: single nucleotide variant.
Coding change: c.2807C>T on transcript NM_015338.6 (MANE Select); coding-DNA position 2807, C replaced by T.
Protein change: p.Thr936Ile; replaces threonine 936 with isoleucine.
Molecular consequence: missense variant.
Genome position (GRCh38, 1-based): chr20:32,435,519, C>T. VCF-style: chr20-32435519-C-T. GRCh37 (hg19) VCF-style: chr20-31023322-C-T.
Other names: c.2624C>T, p.Thr875Ile (NM_001363734.1); short protein forms T936I, T875I.
Identifiers: ClinVar variation 2794384 (VCV002794384.4), dbSNP rs754008245, ClinGen allele CA313926320.

ClinVar aggregate classification (germline): Uncertain significance. Review status: criteria provided, multiple submitters, no conflicts (2 of 4 stars). 2 submissions from 2 submitters: Uncertain significance (2). Last evaluated 2024-12-25.

Conditions:
Inborn genetic diseases. Identifiers: MedGen C0950123, MeSH D030342.

Allele frequency attached by ClinVar (database versions not stated): gnomAD exomes below 0.00001.
gnomAD v4.1: 2 of 1,614,036 alleles (0.00012%); highest among the groups gnomAD compares: Admixed American, 0.0017%; no homozygotes.

Submissions (2):

Ambry Genetics
Classification: Uncertain significance for Inborn genetic diseases. Last evaluated: 2024-12-25. Review status: criteria provided, single submitter. Criteria: Ambry Variant Classification Scheme 2023. Collection method: clinical testing. Allele origin: germline.
Comment: The p.T936I variant (also known as c.2807C>T), located in coding exon 13 of the ASXL1 gene, results from a C to T substitution at nucleotide position 2807. The threonine at codon 936 is replaced by isoleucine, an amino acid with similar properties. This amino acid position is conserved. In addition, this alteration is predicted to be tolerated by in silico analysis. Based on the available evidence, the clinical significance of this variant remains unclear.

Labcorp Genetics (formerly Invitae), Labcorp
Classification: Uncertain significance. Last evaluated: 2024-06-24. Review status: criteria provided, single submitter. Criteria: Invitae Variant Classification Sherloc (09022015). Collection method: clinical testing. Allele origin: germline.
Comment: This sequence change replaces threonine, which is neutral and polar, with isoleucine, which is neutral and non-polar, at codon 936 of the ASXL1 protein (p.Thr936Ile). This variant is not present in population databases (gnomAD no frequency). This variant has not been reported in the literature in individuals affected with ASXL1-related conditions. Algorithms developed to predict the effect of missense changes on protein structure and function output the following: SIFT: "Not Available"; PolyPhen-2: "Benign"; Align-GVGD: "Not Available". The isoleucine amino acid residue is found in multiple mammalian species, which suggests that this missense change does not adversely affect protein function. In summary, the available evidence is currently insufficient to determine the role of this variant in disease. Therefore, it has been classified as a Variant of Uncertain Significance.